The following is an entry in ClinVar:

NM_199420.4(POLQ):c.6542A>C (p.Lys2181Thr)

Gene: POLQ (DNA polymerase theta; minus strand). Cytogenetic location: 3q13.33.
Variant type: single nucleotide variant.
Coding change: c.6542A>C on transcript NM_199420.4 (MANE Select); coding-DNA position 6542, A replaced by C.
Protein change: p.Lys2181Thr; replaces lysine 2181 with threonine.
Molecular consequence: missense variant.
Genome position (GRCh38, 1-based): chr3:121,473,351, T>G on the plus strand (A>C on the coding strand, the complement: POLQ is on the minus strand). VCF-style: chr3-121473351-T-G. GRCh37 (hg19) VCF-style: chr3-121192198-T-G.
Other names: short protein forms K2181T.
Identifiers: ClinVar variation 1754120 (VCV001754120.2), dbSNP rs2546774476, ClinGen allele CA354085750.

ClinVar aggregate classification (germline): Uncertain significance (1 of 4 stars; one submission).

Submission:

Ambry Genetics
Classification: Uncertain significance. Last evaluated: 2022-07-27. Review status: criteria provided, single submitter. Criteria: Ambry Variant Classification Scheme 2023. Collection method: clinical testing. Allele origin: germline.
Comment: The p.K2181T variant (also known as c.6542A>C), located in coding exon 21 of the POLQ gene, results from an A to C substitution at nucleotide position 6542. The lysine at codon 2181 is replaced by threonine, an amino acid with similar properties. This amino acid position is conserved. In addition, this alteration is predicted to be tolerated by in silico analysis. Since supporting evidence is limited at this time, the clinical significance of this alteration remains unclear.